The following is an entry in ClinVar:

ClinVar aggregate classification (germline): Uncertain significance (1 of 4 stars; one submission).

Submission:

GeneDx
Classification: Uncertain significance. Last evaluated: 2025-04-01. Review status: criteria provided, single submitter. Criteria: GeneDx Variant Classification Process June 2021. Collection method: clinical testing. Allele origin: germline. Affected: yes.
Comment: Not observed at significant frequency in large population cohorts (gnomAD); In silico analysis indicates that this missense variant does not alter protein structure/function; Has not been previously published as pathogenic or benign to our knowledge

NM_017934.7(PHIP):c.5203G>T (p.Val1735Phe)

Genes: IRAK1BP1 (interleukin 1 receptor associated kinase 1 binding protein 1; plus strand), PHIP (PHIP subunit of CUL4-Ring ligase complex; minus strand). Cytogenetic location: 6q14.1.
Variant type: single nucleotide variant.
Coding change: c.5203G>T on transcript NM_017934.7 (MANE Select); coding-DNA position 5203, G replaced by T.
Protein change: p.Val1735Phe; replaces valine 1735 with phenylalanine.
Molecular consequence: missense variant.
Genome position (GRCh38, 1-based): chr6:78,940,956, C>A on the plus strand (G>T on the coding strand, the complement: PHIP is on the minus strand). VCF-style: chr6-78940956-C-A. GRCh37 (hg19) VCF-style: chr6-79650673-C-A.
Other names: short protein forms V1735F.
Identifiers: ClinVar variation 4278762 (VCV004278762.1).